The following is an entry in ClinVar:

NM_001723.7(DST):c.3589C>T (p.Arg1197Cys)

Gene: DST (dystonin; minus strand). Cytogenetic location: 6p12.1.
Variant type: single nucleotide variant.
Coding change: c.3589C>T on transcript NM_001723.7 (MANE Plus Clinical); coding-DNA position 3589, C replaced by T.
Protein change: p.Arg1197Cys; replaces arginine 1197 with cysteine.
Molecular consequence: missense variant. On other transcripts: intron variant (10).
Genome position (GRCh38, 1-based): chr6:56,620,445, G>A on the plus strand (C>T on the coding strand, the complement: DST is on the minus strand). VCF-style: chr6-56620445-G-A. GRCh37 (hg19) VCF-style: chr6-56485243-G-A.
Other names: c.4830+4085C>T (NM_001144769.5); c.4929+4085C>T (NM_001374722.1, NM_001374736.1); c.4956+4085C>T (NM_001374734.1); c.4416+4085C>T (NM_001144770.2); c.4296+4085C>T (NM_001374730.1, NM_001386100.1, NM_183380.4 and 1 more transcripts); c.3318+4085C>T (NM_015548.5); short protein forms R1197C.
Identifiers: ClinVar variation 654723 (VCV000654723.4), dbSNP rs147377638, ClinGen allele CA3870688.
Genomic context (GRCh38, chr6:56,620,445, plus strand): 5'-CCCGCTCCAGTTCTCTTTCAGCGGCTTCCTTCTCTCTCACAATGGTTTCAAGTTCCCTGC[G>A]GTACTGCTTGGCTTCACTTTCAGCCCTTATCTTCTGCAGAGAGATATCTTCTACATTTCT-3'
Protein context (NP_001714.1, residues 1187-1207): IRAESEAKQY[Arg1197Cys]RELETIVREK

ClinVar aggregate classification (germline): Uncertain significance (1 of 4 stars; one submission).

Conditions:
Hereditary sensory and autonomic neuropathy type 6. Also called: HSAN VI; Neuropathy, hereditary sensory and autonomic, type VI. Identifiers: Orphanet 314381, MedGen C3539003, MONDO:0013839, OMIM 614653.
Epidermolysis bullosa simplex 3, localized or generalized intermediate, with BP230 deficiency (EBS3). Also called: Epidermolysis bullosa simplex due to BP230 deficiency; Epidermolysis bullosa simplex, autosomal recessive 2. Identifiers: Orphanet 412181, MedGen C3809470, MONDO:0014180, OMIM 615425.

Allele frequency attached by ClinVar (database versions not stated): gnomAD 0.00001 and 0.00003; ESP Exome Variant Server 0.00008; ExAC 0.00008; TOPMed 0.00003; gnomAD exomes 0.00007; 1000 Genomes Project 30x 0.00016.
gnomAD v4.1: 96 of 1,614,112 alleles (0.0059%); highest among the groups gnomAD compares: South Asian, 0.041%; no homozygotes.

Submission:

Labcorp Genetics (formerly Invitae), Labcorp
Classification: Uncertain significance for Epidermolysis bullosa simplex 3, localized or generalized intermediate, with BP230 deficiency; Hereditary sensory and autonomic neuropathy type 6. Last evaluated: 2023-05-09. Review status: criteria provided, single submitter. Criteria: Invitae Variant Classification Sherloc (09022015). Collection method: clinical testing. Allele origin: germline.
Comment: ClinVar contains an entry for this variant (Variation ID: 654723). This variant has not been reported in the literature in individuals affected with DST-related conditions. This variant is present in population databases (rs147377638, gnomAD 0.04%). This sequence change replaces arginine, which is basic and polar, with cysteine, which is neutral and slightly polar, at codon 1197 of the DST protein (p.Arg1197Cys). An algorithm developed to predict the effect of missense changes on protein structure and function (PolyPhen-2) suggests that this variant is likely to be disruptive. In summary, the available evidence is currently insufficient to determine the role of this variant in disease. Therefore, it has been classified as a Variant of Uncertain Significance.